The following is an entry in ClinVar:

NM_005045.4(RELN):c.7181-121G>A

Gene: RELN (reelin; minus strand). Cytogenetic location: 7q22.1.
Variant type: single nucleotide variant.
Coding change: c.7181-121G>A on transcript NM_005045.4 (MANE Select); 121 bases into the intron before coding-DNA position 7181, G replaced by A.
Molecular consequence: intron variant.
Genome position (GRCh38, 1-based): chr7:103,535,605, C>T on the plus strand (G>A on the coding strand, the complement: RELN is on the minus strand). VCF-style: chr7-103535605-C-T. GRCh37 (hg19) VCF-style: chr7-103176052-C-T.
Other names: c.7181-121G>A (NM_173054.3).
Identifiers: ClinVar variation 669135 (VCV000669135.2), dbSNP rs362707, ClinGen allele CA163938882.

ClinVar aggregate classification (germline): Benign. Review status: criteria provided, multiple submitters, no conflicts (2 of 4 stars). 2 submissions from 2 submitters: Benign (2). Last evaluated 2018-06-19.

Allele frequency attached by ClinVar (database versions not stated): 1000 Genomes Project 0.58666; 1000 Genomes Project 30x 0.59432; TOPMed 0.66928; gnomAD 0.66997 and 0.67575; gnomAD exomes 0.69729.
gnomAD v4.1: 615,827 of 889,692 alleles (69%); highest among the groups gnomAD compares: Non-Finnish European, 73%; 216,583 homozygotes.

Submissions (2):

GeneDx
Classification: Benign. Last evaluated: 2018-06-19. Review status: criteria provided, single submitter. Criteria: GeneDx Variant Classification (06012015). Collection method: clinical testing. Allele origin: germline. Affected: yes.
Comment: This variant is considered likely benign or benign based on one or more of the following criteria: it is a conservative change, it occurs at a poorly conserved position in the protein, it is predicted to be benign by multiple in silico algorithms, and/or has population frequency not consistent with disease.

Breakthrough Genomics
Classification: Benign. Review status: criteria provided, single submitter. Criteria: ACMG Guidelines, 2015. Collection method: not provided. Allele origin: germline. Inheritance: Autosomal recessive inheritance. Affected: yes.